The following is an entry in ClinVar:

NM_152617.4(RNF168):c.172G>T (p.Val58Leu)

Gene: RNF168 (ring finger protein 168; minus strand). Cytogenetic location: 3q29.
Variant type: single nucleotide variant.
Coding change: c.172G>T on transcript NM_152617.4 (MANE Select); coding-DNA position 172, G replaced by T.
Protein change: p.Val58Leu; replaces valine 58 with leucine.
Molecular consequence: missense variant.
Genome position (GRCh38, 1-based): chr3:196,503,002, C>A on the plus strand (G>T on the coding strand, the complement: RNF168 is on the minus strand). VCF-style: chr3-196503002-C-A. GRCh37 (hg19) VCF-style: chr3-196229873-C-A.
Other names: short protein forms V58L.
Identifiers: ClinVar variation 1932869 (VCV001932869.5), dbSNP rs749629381, ClinGen allele CA2781031.
Genomic context (GRCh38, chr3:196,503,002, plus strand): 5'-TCCACAGTTCCACGTTGACGAGAGAATTTCTTCGGGTATGGTACCGAGTCCACGACGATA[C>A]CCGGCGGCGACAGAAGGGACAGCATAAACTCGCCTTTTCGACGGTCGACTGGAAGCACGG-3'
Protein context (NP_689830.2, residues 48-68): SLCCPFCRRR[Val58Leu]SSWTRYHTRR

ClinVar aggregate classification (germline): Uncertain significance. Review status: criteria provided, multiple submitters, no conflicts (2 of 4 stars). 2 submissions from 2 submitters: Uncertain significance (2). Last evaluated 2025-08-13.

Conditions:
Inborn genetic diseases. Identifiers: MedGen C0950123, MeSH D030342.

gnomAD v4.1: 4 of 1,614,064 alleles (0.00025%); highest among the groups gnomAD compares: East Asian, 0.0045%; no homozygotes.

Submissions (2):

Ambry Genetics
Classification: Uncertain significance for Inborn genetic diseases. Last evaluated: 2025-08-13. Review status: criteria provided, single submitter. Criteria: Ambry Variant Classification Scheme 2023. Collection method: clinical testing. Allele origin: germline.

Labcorp Genetics (formerly Invitae), Labcorp
Classification: Uncertain significance. Last evaluated: 2024-10-29. Review status: criteria provided, single submitter. Criteria: Invitae Variant Classification Sherloc (09022015). Collection method: clinical testing. Allele origin: germline.
Comment: This sequence change replaces valine, which is neutral and non-polar, with leucine, which is neutral and non-polar, at codon 58 of the RNF168 protein (p.Val58Leu). This variant is present in population databases (rs749629381, gnomAD 0.003%). This variant has not been reported in the literature in individuals affected with RNF168-related conditions. ClinVar contains an entry for this variant (Variation ID: 1932869). An algorithm developed to predict the effect of missense changes on protein structure and function (PolyPhen-2) suggests that this variant¬†is likely to be tolerated. In summary, the available evidence is currently insufficient to determine the role of this variant in disease. Therefore, it has been classified as a Variant of Uncertain Significance.